The following is an entry in ClinVar:

ClinVar aggregate classification (germline): Uncertain significance (1 of 4 stars; one submission).

Conditions:
Amyotrophic lateral sclerosis type 4 (ALS4). Also called: AMYOTROPHIC LATERAL SCLEROSIS 4, JUVENILE; NEURONOPATHY, DISTAL HEREDITARY MOTOR, WITH PYRAMIDAL FEATURES. Identifiers: Orphanet 357043, MedGen C1865409, MONDO:0011223, OMIM 602433.
Spinocerebellar ataxia, autosomal recessive, with axonal neuropathy 2 (SCAN2). Also called: Ataxia-ocular apraxia-2; Ataxia with Oculomotor Apraxia; Ataxia with Oculomotor Apraxia Type 2; ATAXIA-OCULOMOTOR APRAXIA 2. Identifiers: Orphanet 64753, MedGen C1853761, MONDO:0018996, OMIM 606002.

Submission:

Labcorp Genetics (formerly Invitae), Labcorp
Classification: Uncertain significance for Amyotrophic lateral sclerosis type 4; Spinocerebellar ataxia, autosomal recessive, with axonal neuropathy 2. Last evaluated: 2021-08-31. Review status: criteria provided, single submitter. Criteria: Invitae Variant Classification Sherloc (09022015). Collection method: clinical testing. Allele origin: germline.
Comment: This sequence change falls in intron 14 of the SETX gene. It does not directly change the encoded amino acid sequence of the SETX protein. It affects a nucleotide within the consensus splice site of the intron. This variant is not present in population databases (ExAC no frequency). This variant has not been reported in the literature in individuals affected with SETX-related conditions. Variants that disrupt the consensus splice site are a relatively common cause of aberrant splicing (PMID: 17576681, 9536098). Algorithms developed to predict the effect of sequence changes on RNA splicing suggest that this variant is not likely to affect RNA splicing. In summary, the available evidence is currently insufficient to determine the role of this variant in disease. Therefore, it has been classified as a Variant of Uncertain Significance.

Literature cited by the submitters: PubMed 17576681; PubMed 9536098.

NM_015046.7(SETX):c.5949+4_5949+7del

Gene: SETX (senataxin; minus strand). Cytogenetic location: 9q34.13.
Variant type: Microsatellite.
Coding change: c.5949+4_5949+7del on transcript NM_015046.7 (MANE Select); bases 4 to 7 of the intron after coding-DNA position 5949, 4 bases deleted (GGTA; older notation c.5949+4_5949+7delGGTA).
Molecular consequence: splice donor variant.
Genome position (GRCh38, 1-based): chr9:132,296,880-132,296,883, TACC deleted on the plus strand (GGTA on the coding strand, the reverse complement: SETX is on the minus strand); deleting any 4 consecutive bases within chr9:132,296,880-132,296,888 gives the same sequence; the c. name uses the placement nearest the transcript's 3' end. VCF-style (leftmost placement, unchanged base first): chr9-132296879-ATACC-A. GRCh37 (hg19) VCF-style: chr9-135172266-ATACC-A.
Other names: c.5949+4_5949+7del (NM_001351528.2, NM_001351527.2).
Identifiers: ClinVar variation 1003234 (VCV001003234.6), dbSNP rs1844702677, ClinGen allele CA1882092004.